The following is an entry in ClinVar:

NM_177438.3(DICER1):c.1831T>C (p.Phe611Leu)

Gene: DICER1 (dicer 1, ribonuclease III; minus strand). Cytogenetic location: 14q32.13.
Variant type: single nucleotide variant.
Coding change: c.1831T>C on transcript NM_177438.3 (MANE Select); coding-DNA position 1831, T replaced by C.
Protein change: p.Phe611Leu; replaces phenylalanine 611 with leucine.
Molecular consequence: missense variant. On other transcripts: non-coding transcript variant (6).
Genome position (GRCh38, 1-based): chr14:95,115,743, A>G on the plus strand (T>C on the coding strand, the complement: DICER1 is on the minus strand). VCF-style: chr14-95115743-A-G. GRCh37 (hg19) VCF-style: chr14-95582080-A-G.
Other names: c.1831T>C, p.Phe611Leu (NM_001195573.1, NM_001271282.3, NM_001291628.2 and 13 more transcripts); c.1549T>C, p.Phe517Leu (NM_001395686.1); c.1426T>C, p.Phe476Leu (NM_001395687.1, NM_001395688.1, NM_001395689.1 and 3 more transcripts); c.1264T>C, p.Phe422Leu (NM_001395691.1); c.148T>C, p.Phe50Leu (NM_001395697.1); short protein forms F517L, F422L, F611L, F476L, F50L.
Identifiers: ClinVar variation 2127140 (VCV002127140.4), dbSNP rs2543004039, ClinGen allele CA390884035.
Genomic context (GRCh38, chr14:95,115,743, plus strand): 5'-TGGCCGTGTTGATTGTGACTCGTGGACCACCATCGTCAGGCCTCAACACATATGGTGGGA[A>G]AACGTCATCATCATCCATGACAGGATCAATGTCAGTCTCACCAGTATCAACCGACTTGGA-3'
Protein context (NP_803187.1, residues 601-621): IDPVMDDDDV[Phe611Leu]PPYVLRPDDG

ClinVar aggregate classification (germline): Uncertain significance (1 of 4 stars; one submission).

Conditions:
DICER1-related tumor predisposition. Also called: DICER1 syndrome; DICER1-related pleuropulmonary blastoma cancer predisposition syndrome. Identifiers: Orphanet 284343, MedGen C3839822, MONDO:0100216.

Submission:

Labcorp Genetics (formerly Invitae), Labcorp
Classification: Uncertain significance for DICER1-related tumor predisposition. Last evaluated: 2023-12-08. Review status: criteria provided, single submitter. Criteria: Invitae Variant Classification Sherloc (09022015). Collection method: clinical testing. Allele origin: germline.
Comment: This sequence change replaces phenylalanine, which is neutral and non-polar, with leucine, which is neutral and non-polar, at codon 611 of the DICER1 protein (p.Phe611Leu). This variant is not present in population databases (gnomAD no frequency). This variant has not been reported in the literature in individuals affected with DICER1-related conditions. ClinVar contains an entry for this variant (Variation ID: 2127140). Advanced modeling of protein sequence and biophysical properties (such as structural, functional, and spatial information, amino acid conservation, physicochemical variation, residue mobility, and thermodynamic stability) performed at Invitae indicates that this missense variant is not expected to disrupt DICER1 protein function with a negative predictive value of 80%. In summary, the available evidence is currently insufficient to determine the role of this variant in disease. Therefore, it has been classified as a Variant of Uncertain Significance.